The following is an entry in ClinVar:

ClinVar aggregate classification (germline): Uncertain significance. Review status: criteria provided, multiple submitters, no conflicts (2 of 4 stars). 3 submissions from 3 submitters: Uncertain significance (3). Last evaluated 2025-03-04.

Conditions:
Hereditary cancer-predisposing syndrome. Also called: Tumor predisposition; Neoplastic Syndromes, Hereditary; Hereditary neoplastic syndrome; Hereditary Cancer Syndrome. Identifiers: Orphanet 140162, MedGen C0027672, MeSH D009386, MONDO:0015356.

Allele frequency attached by ClinVar (database versions not stated): gnomAD exomes 0.00001; ExAC 0.00002.
gnomAD v4.1: 5 of 1,614,160 alleles (0.00031%); highest among the groups gnomAD compares: East Asian, 0.0022%; no homozygotes.

Submissions (3):

Center for Genomic Medicine, Rigshospitalet, Copenhagen University Hospital
Classification: Uncertain significance. Last evaluated: 2025-03-04. Review status: criteria provided, single submitter. Criteria: ACMG Guidelines, 2015. Collection method: clinical testing. Allele origin: germline.

Labcorp Genetics (formerly Invitae), Labcorp
Classification: Uncertain significance. Last evaluated: 2024-10-28. Review status: criteria provided, single submitter. Criteria: Invitae Variant Classification Sherloc (09022015). Collection method: clinical testing. Allele origin: germline.
Comment: This sequence change replaces serine, which is neutral and polar, with glycine, which is neutral and non-polar, at codon 404 of the MSH3 protein (p.Ser404Gly). This variant is present in population databases (rs753497335, gnomAD 0.003%). This variant has not been reported in the literature in individuals affected with MSH3-related conditions. ClinVar contains an entry for this variant (Variation ID: 1513567). An algorithm developed to predict the effect of missense changes on protein structure and function outputs the following: PolyPhen-2: "Benign". The glycine amino acid residue is found in multiple mammalian species, which suggests that this missense change does not adversely affect protein function. In summary, the available evidence is currently insufficient to determine the role of this variant in disease. Therefore, it has been classified as a Variant of Uncertain Significance.

Ambry Genetics
Classification: Uncertain significance for Hereditary cancer-predisposing syndrome. Last evaluated: 2024-09-19. Review status: criteria provided, single submitter. Criteria: Ambry Variant Classification Scheme 2023. Collection method: clinical testing. Allele origin: germline.
Comment: The p.S404G variant (also known as c.1210A>G), located in coding exon 8 of the MSH3 gene, results from an A to G substitution at nucleotide position 1210. The serine at codon 404 is replaced by glycine, an amino acid with similar properties. This amino acid position is conserved. In addition, the in silico prediction for this alteration is inconclusive. Since supporting evidence is limited at this time, the clinical significance of this alteration remains unclear.

NM_002439.5(MSH3):c.1210A>G (p.Ser404Gly)

Gene: MSH3 (mutS homolog 3; plus strand). Cytogenetic location: 5q14.1.
Variant type: single nucleotide variant.
Coding change: c.1210A>G on transcript NM_002439.5 (MANE Select); coding-DNA position 1210, A replaced by G.
Protein change: p.Ser404Gly; replaces serine 404 with glycine.
Molecular consequence: missense variant.
Genome position (GRCh38, 1-based): chr5:80,678,963, A>G. VCF-style: chr5-80678963-A-G. GRCh37 (hg19) VCF-style: chr5-79974782-A-G.
Other names: short protein forms S404G.
Identifiers: ClinVar variation 1513567 (VCV001513567.13), dbSNP rs753497335, ClinGen allele CA3327835.